The following is an entry in ClinVar:

ClinVar aggregate classification (germline): Uncertain significance (1 of 4 stars; one submission).

Conditions:
Epidermodysplasia verruciformis. Identifiers: Orphanet 302, MedGen C0014522, MONDO:0009176.

Allele frequency attached by ClinVar (database versions not stated): gnomAD 0.00001; gnomAD exomes 0.00001 and 0.00003; ExAC 0.00002; TOPMed 0.00004.
gnomAD v4.1: 48 of 1,604,594 alleles (0.003%); highest among the groups gnomAD compares: Non-Finnish European, 0.0037%; 1 homozygote.

Submission:

Labcorp Genetics (formerly Invitae), Labcorp
Classification: Uncertain significance for Epidermodysplasia verruciformis. Last evaluated: 2022-10-25. Review status: criteria provided, single submitter. Criteria: Invitae Variant Classification Sherloc (09022015). Collection method: clinical testing. Allele origin: germline.
Comment: This sequence change replaces valine, which is neutral and non-polar, with isoleucine, which is neutral and non-polar, at codon 624 of the TMC6 protein (p.Val624Ile). The frequency data for this variant in the population databases is considered unreliable, as metrics indicate poor data quality at this position in the gnomAD database. This variant has not been reported in the literature in individuals affected with TMC6-related conditions. ClinVar contains an entry for this variant (Variation ID: 946913). Algorithms developed to predict the effect of missense changes on protein structure and function output the following: SIFT: "Not Available"; PolyPhen-2: "Benign"; Align-GVGD: "Not Available". The isoleucine amino acid residue is found in multiple mammalian species, which suggests that this missense change does not adversely affect protein function. In summary, the available evidence is currently insufficient to determine the role of this variant in disease. Therefore, it has been classified as a Variant of Uncertain Significance.

NM_001127198.5(TMC6):c.1870G>A (p.Val624Ile)

Gene: TMC6 (transmembrane channel like 6; minus strand). Cytogenetic location: 17q25.3.
Variant type: single nucleotide variant.
Coding change: c.1870G>A on transcript NM_001127198.5 (MANE Select); coding-DNA position 1870, G replaced by A.
Protein change: p.Val624Ile; replaces valine 624 with isoleucine.
Molecular consequence: missense variant.
Genome position (GRCh38, 1-based): chr17:78,118,988, C>T on the plus strand (G>A on the coding strand, the complement: TMC6 is on the minus strand). VCF-style: chr17-78118988-C-T. GRCh37 (hg19) VCF-style: chr17-76115069-C-T.
Other names: c.1870G>A, p.Val624Ile (NM_001321185.1, NM_001374596.1, NM_001375353.1 and 2 more transcripts); c.1690G>A, p.Val564Ile (NM_001374593.1, NM_001374594.1); short protein forms V564I, V624I.
Identifiers: ClinVar variation 946913 (VCV000946913.5), dbSNP rs759759433, ClinGen allele CA8795527.
Genomic context (GRCh38, chr17:78,118,988, plus strand): 5'-CCACCCTGCCAGCCCAGCCCTCCCCAGGCCTTGGCAGCCTCACCTTCTTGACATAGAAGA[C>T]GAGCAGCAGCTTGATGATCTGCACGGCGGGGAGGAGGGGCGAGAAGAGCACCCCCAGCCT-3'
Protein context (NP_001120670.1, residues 614-634): PAVQIIKLLL[Val624Ile]FYVKKTSLLA